The following is an entry in ClinVar:

ClinVar aggregate classification (germline): Benign/Likely benign. Review status: criteria provided, multiple submitters, no conflicts (2 of 4 stars). 4 submissions from 4 submitters: Benign (3); Likely benign (1). Last evaluated 2026-02-04.

Conditions:
Singleton-Merten syndrome 2 (SGMRT2). Identifiers: Orphanet 85191, MedGen C4225380, MONDO:0014575, OMIM 616298.

Submissions (4):

Labcorp Genetics (formerly Invitae), Labcorp
Classification: Benign. Last evaluated: 2026-02-04. Review status: criteria provided, single submitter. Criteria: Invitae Variant Classification Sherloc (09022015). Collection method: clinical testing. Allele origin: germline.

Blueprint Genetics
Classification: Likely benign. Last evaluated: 2024-11-27. Review status: criteria provided, single submitter. Criteria: ACMG Guidelines, 2015. Collection method: clinical testing. Allele origin: germline.

Unidad de Genómica Garrahan, Hospital de Pediatría Garrahan
Classification: Benign. Last evaluated: 2023-11-14. Review status: criteria provided, single submitter. Criteria: ACMG Guidelines, 2015. Collection method: clinical testing. Allele origin: germline. Affected: no. Observed: 52 variant alleles.
Comment: This variant is classified as Benign based on local population frequency. This variant was detected in 54% of patients studied by a panel of primary immunodeficiencies. Number of patients: 52. Only high quality variants are reported.

Genome-Nilou Lab
Classification: Benign for Singleton-Merten syndrome 2. Last evaluated: 2021-07-30. Review status: criteria provided, single submitter. Criteria: ACMG Guidelines, 2015. Collection method: clinical testing. Allele origin: germline. Affected: no.

NM_014314.4(RIGI):c.1376-21dup

Gene: RIGI (RNA sensor RIG-I; minus strand). Cytogenetic location: 9p21.1.
Variant type: Duplication.
Coding change: c.1376-21dup on transcript NM_014314.4 (MANE Select); 21 bases into the intron before coding-DNA position 1376, one base duplicated (T; older notation c.1376-21dupT).
Molecular consequence: intron variant.
Genome position (GRCh38, 1-based): chr9:32,485,291, A duplicated on the plus strand (T on the coding strand, the reverse complement: RIGI is on the minus strand); the first of 10 consecutive A bases (chr9:32,485,291-32,485,300); duplicating any one gives the same sequence. VCF-style (leftmost placement, unchanged base first): chr9-32485290-C-CA. GRCh37 (hg19) VCF-style: chr9-32485288-C-CA.
Other names: c.767-21dup (NM_001385912.1); c.1361-21dup (NM_001385913.1); c.1370-21dup (NM_001385907.1); c.1376-21dup (NM_001385909.1); c.932-21dup (NM_001385914.1); c.935-21dup (NM_001385910.1).
Identifiers: ClinVar variation 1166894 (VCV001166894.15), dbSNP rs71302893, ClinGen allele CA5019818.